The following is an entry in ClinVar:

NM_015046.7(SETX):c.2483A>C (p.Asp828Ala)

Gene: SETX (senataxin; minus strand). Cytogenetic location: 9q34.13.
Variant type: single nucleotide variant.
Coding change: c.2483A>C on transcript NM_015046.7 (MANE Select); coding-DNA position 2483, A replaced by C.
Protein change: p.Asp828Ala; replaces aspartic acid 828 with alanine.
Molecular consequence: missense variant.
Genome position (GRCh38, 1-based): chr9:132,329,115, T>G on the plus strand (A>C on the coding strand, the complement: SETX is on the minus strand). VCF-style: chr9-132329115-T-G. GRCh37 (hg19) VCF-style: chr9-135204502-T-G.
Other names: c.2483A>C, p.Asp828Ala (NM_001351527.2, NM_001351528.2); short protein forms D828A.
Identifiers: ClinVar variation 2951269 (VCV002951269.3), dbSNP rs767505605, ClinGen allele CA375335774.
Genomic context (GRCh38, chr9:132,329,115, plus strand): 5'-ACACCACTAGGGTCTAAAGAAAGATTGTGTATGAAACCATCTCCTTTCTGAACTCCTGTA[T>G]CTTTCCTTGAATAGAAACTCTCAATGTTAGATACAGTCAAATTTTCATCTAAATTGATAG-3'
Protein context (NP_055861.3, residues 818-838): SNIESFYSRK[Asp828Ala]TGVQKGDGFI

ClinVar aggregate classification (germline): Uncertain significance (1 of 4 stars; one submission).

Conditions:
Amyotrophic lateral sclerosis type 4 (ALS4). Also called: AMYOTROPHIC LATERAL SCLEROSIS 4, JUVENILE; NEURONOPATHY, DISTAL HEREDITARY MOTOR, WITH PYRAMIDAL FEATURES. Identifiers: Orphanet 357043, MedGen C1865409, MONDO:0011223, OMIM 602433.
Spinocerebellar ataxia, autosomal recessive, with axonal neuropathy 2 (SCAN2). Also called: ATAXIA-OCULOMOTOR APRAXIA 2; Ataxia-ocular apraxia-2; Ataxia with Oculomotor Apraxia Type 2; Ataxia with Oculomotor Apraxia. Identifiers: Orphanet 64753, MedGen C1853761, MONDO:0018996, OMIM 606002.

gnomAD v4.1: 1 of 1,610,264 alleles (0.000062%); highest among the groups gnomAD compares: Non-Finnish European, 0.000085%; no homozygotes.

Submission:

Labcorp Genetics (formerly Invitae), Labcorp
Classification: Uncertain significance for Amyotrophic lateral sclerosis type 4; Spinocerebellar ataxia, autosomal recessive, with axonal neuropathy 2. Last evaluated: 2023-08-31. Review status: criteria provided, single submitter. Criteria: Invitae Variant Classification Sherloc (09022015). Collection method: clinical testing. Allele origin: germline.
Comment: Advanced modeling of protein sequence and biophysical properties (such as structural, functional, and spatial information, amino acid conservation, physicochemical variation, residue mobility, and thermodynamic stability) performed at Invitae indicates that this missense variant is not expected to disrupt SETX protein function. This variant has not been reported in the literature in individuals affected with SETX-related conditions. This variant is not present in population databases (gnomAD no frequency). This sequence change replaces aspartic acid, which is acidic and polar, with alanine, which is neutral and non-polar, at codon 828 of the SETX protein (p.Asp828Ala). In summary, the available evidence is currently insufficient to determine the role of this variant in disease. Therefore, it has been classified as a Variant of Uncertain Significance.